The following is an entry in ClinVar:

ClinVar aggregate classification (germline): Likely benign. Review status: criteria provided, multiple submitters, no conflicts (2 of 4 stars). 3 submissions from 3 submitters: Likely benign (2). 1 of the submissions does not count toward it. Last evaluated 2025-04-01.

Conditions:
Cardiovascular phenotype. Identifiers: MedGen CN230736.
PPP1CB-related disorder. Also called: PPP1CB-related condition.

Allele frequency attached by ClinVar (database versions not stated): gnomAD 0.00001; gnomAD exomes 0.00002.
gnomAD v4.1: 9 of 1,612,284 alleles (0.00056%); highest among the groups gnomAD compares: Admixed American, 0.013%; no homozygotes.

Submissions (3):

Labcorp Genetics (formerly Invitae), Labcorp
Classification: Likely benign. Last evaluated: 2025-04-01. Review status: criteria provided, single submitter. Criteria: Invitae Variant Classification Sherloc (09022015). Collection method: clinical testing. Allele origin: germline.

Ambry Genetics
Classification: Likely benign for Cardiovascular phenotype. Last evaluated: 2020-11-27. Review status: criteria provided, single submitter. Criteria: Ambry Variant Classification Scheme 2023. Collection method: clinical testing. Allele origin: germline.

PreventionGenetics, part of Exact Sciences
Classification: Likely benign for PPP1CB-related condition. Last evaluated: 2023-01-05. Review status: no assertion criteria provided. Collection method: clinical testing. Allele origin: germline. Not counted in ClinVar's aggregate classification.
Comment: This variant is classified as likely benign based on ACMG/AMP sequence variant interpretation guidelines (Richards et al. 2015 PMID: 25741868, with internal and published modifications).

NM_002709.3(PPP1CB):c.357C>T (p.Leu119=)

Gene: PPP1CB (protein phosphatase 1 catalytic subunit beta; plus strand). Cytogenetic location: 2p23.2.
Variant type: single nucleotide variant.
Coding change: c.357C>T on transcript NM_002709.3 (MANE Select); coding-DNA position 357, C replaced by T.
Protein change: p.Leu119=; no amino-acid change (leucine 119 retained).
Molecular consequence: synonymous variant.
Genome position (GRCh38, 1-based): chr2:28,778,981, C>T. VCF-style: chr2-28778981-C-T. GRCh37 (hg19) VCF-style: chr2-29001847-C-T.
Other names: c.357C>T, p.Leu119= (NM_206876.2).
Identifiers: ClinVar variation 1666395 (VCV001666395.12), dbSNP rs975353025, ClinGen allele CA44870067.